The following is an entry in ClinVar:

ClinVar aggregate classification (germline): Uncertain significance (1 of 4 stars; one submission).

Conditions:
Meckel-Gruber syndrome. Also called: DYSENCEPHALIA SPLANCHNOCYSTICA; GRUBER SYNDROME; Dysencephalia splachnocystica. Identifiers: Orphanet 564, MedGen C0265215, MONDO:0018921.
Joubert syndrome. Also called: JOUBERT-BOLTSHAUSER SYNDROME; Familial aplasia of the vermis. Identifiers: Orphanet 475, MedGen C5979921, MONDO:0018772.

Submission:

Labcorp Genetics (formerly Invitae), Labcorp
Classification: Uncertain significance for Joubert syndrome; Meckel-Gruber syndrome. Last evaluated: 2022-10-17. Review status: criteria provided, single submitter. Criteria: Invitae Variant Classification Sherloc (09022015). Collection method: clinical testing. Allele origin: germline.
Comment: In summary, the available evidence is currently insufficient to determine the role of this variant in disease. Therefore, it has been classified as a Variant of Uncertain Significance. Advanced modeling of protein sequence and biophysical properties (such as structural, functional, and spatial information, amino acid conservation, physicochemical variation, residue mobility, and thermodynamic stability) performed at Invitae indicates that this missense variant is not expected to disrupt CC2D2A protein function. This variant has not been reported in the literature in individuals affected with CC2D2A-related conditions. This variant is not present in population databases (gnomAD no frequency). This sequence change replaces leucine, which is neutral and non-polar, with histidine, which is basic and polar, at codon 286 of the CC2D2A protein (p.Leu286His).

NM_001378615.1(CC2D2A):c.857T>A (p.Leu286His)

Genes: CC2D2A (coiled-coil and C2 domain containing 2A; plus strand), FBXL5 (F-box and leucine rich repeat protein 5; minus strand). Cytogenetic location: 4p15.32.
Variant type: single nucleotide variant.
Coding change: c.857T>A on transcript NM_001378615.1 (MANE Select); coding-DNA position 857, T replaced by A.
Protein change: p.Leu286His; replaces leucine 286 with histidine.
Molecular consequence: missense variant.
Genome position (GRCh38, 1-based): chr4:15,514,846, T>A. VCF-style: chr4-15514846-T-A. GRCh37 (hg19) VCF-style: chr4-15516469-T-A.
Other names: c.857T>A, p.Leu286His (NM_001080522.2); c.710T>A, p.Leu237His (NM_001378617.1); short protein forms L237H, L286H.
Identifiers: ClinVar variation 1713368 (VCV001713368.6), dbSNP rs776020343, ClinGen allele CA356409427.
Genomic context (GRCh38, chr4:15,514,846, plus strand): 5'-CAGTCAGACCTGCAGATTATGAAAGCATCCATGATCGGCTGCAGATGGAAAGAGAAATGC[T>A]CTTCATACCCAGTAGGCAGACAGGTACTTGCTCTTTTTATTTTCTTGTTCAGCTTAGACA-3'
Protein context (NP_001365544.1, residues 276-296): HDRLQMEREM[Leu286His]FIPSRQTVPT